The following is an entry in ClinVar:

NM_007194.4(CHEK2):c.526G>C (p.Gly176Arg)

Gene: CHEK2 (checkpoint kinase 2; minus strand). Cytogenetic location: 22q12.1.
Variant type: single nucleotide variant.
Coding change: c.526G>C on transcript NM_007194.4 (MANE Select); coding-DNA position 526, G replaced by C.
Protein change: p.Gly176Arg; replaces glycine 176 with arginine.
Molecular consequence: missense variant. On other transcripts: 5 prime UTR variant (2), intron variant (1).
Genome position (GRCh38, 1-based): chr22:28,725,043, C>G on the plus strand (G>C on the coding strand, the complement: CHEK2 is on the minus strand). VCF-style: chr22-28725043-C-G. GRCh37 (hg19) VCF-style: chr22-29121031-C-G.
Other names: c.655G>C, p.Gly219Arg (NM_001005735.3, NM_001438294.1); c.-252G>C (NM_001257387.3); c.-138G>C (NM_001437942.1); c.619G>C, p.Gly207Arg (NM_001438293.1, NM_001438295.1); c.526G>C, p.Gly176Arg (NM_145862.3); c.445-120G>C (NM_001349956.3); short protein forms G176R, G219R, G207R.
Identifiers: ClinVar variation 234559 (VCV000234559.8), dbSNP rs876661085, ClinGen allele CA10577642.

ClinVar aggregate classification (germline): Uncertain significance. Review status: criteria provided, multiple submitters, no conflicts (2 of 4 stars). 2 submissions from 2 submitters: Uncertain significance (2). Last evaluated 2025-11-25.

Conditions:
Familial cancer of breast. Also called: BREAST CANCER, FAMILIAL; hereditary breast carcinoma; Hereditary breast cancer. Identifiers: Orphanet 227535, MedGen C0346153, MONDO:0016419, OMIM 114480. Disease mechanism: loss of function.

Allele frequency attached by ClinVar (database versions not stated): gnomAD exomes below 0.00001.
gnomAD v4.1: 1 of 1,614,090 alleles (0.000062%); highest among the groups gnomAD compares: Non-Finnish European, 0.000085%; no homozygotes.

Submissions (2):

Labcorp Genetics (formerly Invitae), Labcorp
Classification: Uncertain significance for Familial cancer of breast. Last evaluated: 2025-11-25. Review status: criteria provided, single submitter. Criteria: Invitae Variant Classification Sherloc (09022015). Collection method: clinical testing. Allele origin: germline.
Comment: This sequence change replaces glycine, which is neutral and non-polar, with arginine, which is basic and polar, at codon 176 of the CHEK2 protein (p.Gly176Arg). This variant is not present in population databases (gnomAD no frequency). This variant has not been reported in the literature in individuals affected with CHEK2-related conditions. ClinVar contains an entry for this variant (Variation ID: 234559). An algorithm developed to predict the effect of missense changes on protein structure and function (PolyPhen-2) suggests that this variant is likely to be disruptive. In summary, the available evidence is currently insufficient to determine the role of this variant in disease. Therefore, it has been classified as a Variant of Uncertain Significance.

GeneDx
Classification: Uncertain significance. Last evaluated: 2015-10-14. Review status: criteria provided, single submitter. Criteria: GeneDx Variant Classification (06012015). Collection method: clinical testing. Allele origin: germline. Affected: yes.
Comment: This apparently homozygous variant is denoted CHEK2 c.526G>C at the cDNA level, p.Gly176Arg (G176R) at the protein level, and results in the change of a Glycine to an Arginine (GGG>CGG). This variant has not, to our knowledge, been published in the literature as being pathogenic or benign. CHEK2 Gly176Arg was not observed in approximately 6,500 individuals of European and African American ancestry in the NHLBI Exome Sequencing Project, indicating it is not a common benign variant in these populations. Since Glycine and Arginine differ in polarity, charge, size or other properties, this is considered a non-conservative amino acid substitution. CHEK2 Gly176Arg occurs at a position that is conserved across species and is located in the FHA domain (Roeb 2012). In silico analyses predict that this variant is probably damaging to protein structure and function. Based on currently available evidence, it is unclear whether CHEK2 Gly176Arg is pathogenic or benign. We consider it to be a variant of uncertain significance.